The following is an entry in ClinVar:

ClinVar aggregate classification (germline): Conflicting classifications of pathogenicity. Review status: criteria provided, conflicting classifications (1 of 4 stars). 5 submissions from 5 submitters: Uncertain significance (1); Benign (1); Likely benign (3). Last evaluated 2025-11-11.

Conditions:
SETX-related disorder. Also called: SETX-related disorders; SETX-related condition. Identifiers: MedGen CN239403.
Inborn genetic diseases. Identifiers: MedGen C0950123, MeSH D030342.
Amyotrophic lateral sclerosis type 4 (ALS4). Also called: NEURONOPATHY, DISTAL HEREDITARY MOTOR, WITH PYRAMIDAL FEATURES; AMYOTROPHIC LATERAL SCLEROSIS 4, JUVENILE. Identifiers: Orphanet 357043, MedGen C1865409, MONDO:0011223, OMIM 602433.
Spinocerebellar ataxia, autosomal recessive, with axonal neuropathy 2 (SCAN2). Also called: Ataxia-ocular apraxia-2; Ataxia with Oculomotor Apraxia; Ataxia with Oculomotor Apraxia Type 2; ATAXIA-OCULOMOTOR APRAXIA 2. Identifiers: Orphanet 64753, MedGen C1853761, MONDO:0018996, OMIM 606002.

Allele frequency attached by ClinVar (database versions not stated): gnomAD exomes 0.00003; TOPMed 0.00003; gnomAD 0.00004 and 0.00005; ESP Exome Variant Server 0.00008; ExAC 0.00002.
gnomAD v4.1: 61 of 1,613,166 alleles (0.0038%); highest among the groups gnomAD compares: Non-Finnish European, 0.005%; no homozygotes.

Submissions (5):

PreventionGenetics, part of Exact Sciences
Classification: Likely benign for SETX-related condition. Last evaluated: 2025-11-11. Review status: criteria provided, single submitter. Criteria: ACMG Guidelines, 2015. Collection method: clinical testing. Allele origin: germline.
Comment: This variant is classified as likely benign based on ACMG/AMP sequence variant interpretation guidelines (Richards et al. 2015 PMID: 25741868, with internal and published modifications).

Labcorp Genetics (formerly Invitae), Labcorp
Classification: Benign for Amyotrophic lateral sclerosis type 4; Spinocerebellar ataxia, autosomal recessive, with axonal neuropathy 2. Last evaluated: 2025-08-31. Review status: criteria provided, single submitter. Criteria: Invitae Variant Classification Sherloc (09022015). Collection method: clinical testing. Allele origin: germline.

CeGaT Center for Human Genetics Tuebingen
Classification: Likely benign. Last evaluated: 2022-12-01. Review status: criteria provided, single submitter. Criteria: CeGaT Center For Human Genetics Tuebingen Variant Classification Criteria Version 2. Collection method: clinical testing. Allele origin: germline. Affected: yes. Observed: 1 variant allele.
Comment: SETX: BP4, BP7

Ambry Genetics
Classification: Likely benign for Inborn genetic diseases. Last evaluated: 2019-07-11. Review status: criteria provided, single submitter. Criteria: Ambry Variant Classification Scheme 2023. Collection method: clinical testing. Allele origin: germline.

Athena Diagnostics
Classification: Uncertain significance. Last evaluated: 2017-04-18. Review status: criteria provided, single submitter. Criteria: Athena Diagnostics Criteria. Collection method: clinical testing. Allele origin: germline.

NM_015046.7(SETX):c.2862G>A (p.Thr954=)

Gene: SETX (senataxin; minus strand). Cytogenetic location: 9q34.13.
Variant type: single nucleotide variant.
Coding change: c.2862G>A on transcript NM_015046.7 (MANE Select); coding-DNA position 2862, G replaced by A.
Protein change: p.Thr954=; no amino-acid change (threonine 954 retained).
Molecular consequence: synonymous variant.
Genome position (GRCh38, 1-based): chr9:132,328,736, C>T on the plus strand (G>A on the coding strand, the complement: SETX is on the minus strand). VCF-style: chr9-132328736-C-T. GRCh37 (hg19) VCF-style: chr9-135204123-C-T.
Other names: c.2862G>A, p.Thr954= (NM_001351527.2, NM_001351528.2).
Identifiers: ClinVar variation 448316 (VCV000448316.34), dbSNP rs149610510, ClinGen allele CA5297523.
Genomic context (GRCh38, chr9:132,328,736, plus strand): 5'-AATAACACTGGCTTGAGCTAGTAAAGATAATTTGTGAAGGTCTCTGTCTATCTGAGAATC[C>T]GTTAAGGTGTCAGATTTAGGACTGATGTCAGGGGCCTGTTCTCTTGTCAAGTTAGAATAA-3'
Protein context (NP_055861.3, residues 944-964): PDISPKSDTL[Thr954=]DSQIDRDLHK